The following is an entry in ClinVar:

NM_004329.3(BMPR1A):c.975A>G (p.Thr325=)

Gene: BMPR1A (bone morphogenetic protein receptor type 1A; plus strand). Cytogenetic location: 10q23.2.
Variant type: single nucleotide variant.
Coding change: c.975A>G on transcript NM_004329.3 (MANE Select); coding-DNA position 975, A replaced by G.
Protein change: p.Thr325=; no amino-acid change (threonine 325 retained).
Molecular consequence: synonymous variant.
Genome position (GRCh38, 1-based): chr10:86,919,278, A>G. VCF-style: chr10-86919278-A-G. GRCh37 (hg19) VCF-style: chr10-88679035-A-G.
Identifiers: ClinVar variation 491022 (VCV000491022.16), dbSNP rs974541270, ClinGen allele CA211208630.
Genomic context (GRCh38, chr10:86,919,278, plus strand): 5'-CTATTTGATTACTGATTACCATGAAAATGGATCTCTCTATGACTTCCTGAAATGTGCTAC[A>G]CTGGACACCAGAGCCCTGCTTAAATTGGCTTATTCAGCTGCCTGTGGTCTGTGCCACCTG-3'
Protein context (NP_004320.2, residues 315-335): GSLYDFLKCA[Thr325=]LDTRALLKLA

ClinVar aggregate classification (germline): Benign/Likely benign. Review status: criteria provided, multiple submitters, no conflicts (2 of 4 stars). 5 submissions from 5 submitters: Benign (1); Likely benign (4). Last evaluated 2025-10-14.

Conditions:
Juvenile polyposis syndrome (JPS). Identifiers: Orphanet 2929, MedGen C0345893, MONDO:0017380, OMIM 174900.
Hereditary cancer-predisposing syndrome. Also called: Tumor predisposition; Neoplastic Syndromes, Hereditary; Hereditary Cancer Syndrome; Hereditary neoplastic syndrome. Identifiers: Orphanet 140162, MedGen C0027672, MeSH D009386, MONDO:0015356.

Allele frequency attached by ClinVar (database versions not stated): gnomAD 0.00001; gnomAD exomes 0.00001.
gnomAD v4.1: 16 of 1,613,868 alleles (0.00099%); highest among the groups gnomAD compares: South Asian, 0.0033%; no homozygotes.

Submissions (5):

Labcorp Genetics (formerly Invitae), Labcorp
Classification: Likely benign for Juvenile polyposis syndrome. Last evaluated: 2025-10-14. Review status: criteria provided, single submitter. Criteria: Invitae Variant Classification Sherloc (09022015). Collection method: clinical testing. Allele origin: germline.

Myriad Genetics, Inc.
Classification: Benign for Juvenile polyposis syndrome. Last evaluated: 2024-08-05. Review status: criteria provided, single submitter. Criteria: Myriad Autosomal Dominant, Autosomal Recessive and X-Linked Classification Criteria (2023). Collection method: clinical testing. Allele origin: unknown.
Comment: This variant is considered benign. This variant is a silent/synonymous amino acid change and it is not expected to impact splicing.

Ambry Genetics
Classification: Likely benign for Hereditary cancer-predisposing syndrome. Last evaluated: 2023-07-12. Review status: criteria provided, single submitter. Criteria: Ambry Variant Classification Scheme 2023. Collection method: clinical testing. Allele origin: germline.

Quest Diagnostics Nichols Institute San Juan Capistrano
Classification: Likely benign. Last evaluated: 2020-07-10. Review status: criteria provided, single submitter. Criteria: Quest Diagnostics criteria. Collection method: clinical testing. Allele origin: unknown.

Color Diagnostics, LLC DBA Color Health
Classification: Likely benign for Hereditary cancer-predisposing syndrome. Last evaluated: 2017-09-05. Review status: criteria provided, single submitter. Criteria: ACMG Guidelines, 2015. Collection method: clinical testing. Allele origin: germline.